The following is an entry in ClinVar:

NM_001386298.1(CIC):c.5658G>A (p.Leu1886=)

Gene: CIC (capicua transcriptional repressor; plus strand). Cytogenetic location: 19q13.2.
Variant type: single nucleotide variant.
Coding change: c.5658G>A on transcript NM_001386298.1 (MANE Select); coding-DNA position 5658, G replaced by A.
Protein change: p.Leu1886=; no amino-acid change (leucine 1886 retained).
Molecular consequence: synonymous variant.
Genome position (GRCh38, 1-based): chr19:42,292,130, G>A. VCF-style: chr19-42292130-G-A. GRCh37 (hg19) VCF-style: chr19-42796282-G-A.
Other names: c.5658G>A, p.Leu1886= (NM_001304815.2, NM_001379480.1, NM_001379482.1 and 1 more transcripts); c.2931G>A, p.Leu977= (NM_001379484.1, NM_001379485.1, NM_015125.5).
Identifiers: ClinVar variation 2650003 (VCV002650003.25), dbSNP rs755400519, ClinGen allele CA9472437.
Genomic context (GRCh38, chr19:42,292,130, plus strand): 5'-GTGCCCTTCTCCACAGATCATCCAGCTGACCCCGGTGCCTGTGAGCACACCCAGCGGCCT[G>A]GTGCCGCCCCTGAGCCCAGCCACACTCCCTGGACCCACCTCTCAGCCTCAGAAGGTCCTG-3'
Protein context (NP_001373227.1, residues 1876-1896): TPVPVSTPSG[Leu1886=]VPPLSPATLP

ClinVar aggregate classification (germline): Likely benign. Review status: criteria provided, single submitter (1 of 4 stars). 2 submissions from 2 submitters: Likely benign (1). 1 of the submissions does not count toward it. Last evaluated 2022-12-01.

Conditions:
CIC-related disorder. Also called: CIC-related condition.

Allele frequency attached by ClinVar (database versions not stated): gnomAD exomes 0.00004; TOPMed 0.00004; ExAC 0.00007; gnomAD 0.00008.
gnomAD v4.1: 78 of 1,613,534 alleles (0.0048%); highest among the groups gnomAD compares: Non-Finnish European, 0.0056%; no homozygotes.

Submissions (2):

CeGaT Center for Human Genetics Tuebingen
Classification: Likely benign. Last evaluated: 2022-12-01. Review status: criteria provided, single submitter. Criteria: CeGaT Center For Human Genetics Tuebingen Variant Classification Criteria Version 2. Collection method: clinical testing. Allele origin: germline. Affected: yes. Observed: 1 variant allele.
Comment: CIC: BP4, BP7

PreventionGenetics, part of Exact Sciences
Classification: Likely benign for CIC-related condition. Last evaluated: 2021-05-24. Review status: no assertion criteria provided. Collection method: clinical testing. Allele origin: germline. Not counted in ClinVar's aggregate classification.
Comment: This variant is classified as likely benign based on ACMG/AMP sequence variant interpretation guidelines (Richards et al. 2015 PMID: 25741868, with internal and published modifications).